The following is an entry in ClinVar:

ClinVar aggregate classification (germline): Likely benign (1 of 4 stars; one submission).

Conditions:
ZFYVE19-related disorder. Also called: ZFYVE19-related condition.

Submission:

PreventionGenetics, part of Exact Sciences
Classification: Likely benign for ZFYVE19-related condition. Last evaluated: 2026-01-15. Review status: criteria provided, single submitter. Criteria: ACMG Guidelines, 2015. Collection method: clinical testing. Allele origin: germline.
Comment: This variant is classified as likely benign based on ACMG/AMP sequence variant interpretation guidelines (Richards et al. 2015 PMID: 25741868, with internal and published modifications).

NM_001077268.2(ZFYVE19):c.702T>C (p.Ser234=)

Gene: ZFYVE19 (zinc finger FYVE-type containing 19; plus strand). Cytogenetic location: 15q15.1.
Variant type: single nucleotide variant.
Coding change: c.702T>C on transcript NM_001077268.2 (MANE Select); coding-DNA position 702, T replaced by C.
Protein change: p.Ser234=; no amino-acid change (serine 234 retained).
Molecular consequence: synonymous variant.
Genome position (GRCh38, 1-based): chr15:40,810,201, T>C. VCF-style: chr15-40810201-T-C. GRCh37 (hg19) VCF-style: chr15-41102399-T-C.
Other names: c.702T>C, p.Ser234= (NM_001258420.2); c.177T>C, p.Ser59= (NM_001258421.2); c.672T>C, p.Ser224= (NM_032850.5).
Identifiers: ClinVar variation 4978450 (VCV004978450.1).
Genomic context (GRCh38, chr15:40,810,201, plus strand): 5'-CCCTTCCACCCAGGAAATGGAGGCACGACTTGCAGCGTTGCAGGGCAGAGTTCTACCTTC[T>C]CAAACCCCCCAGCCGGTGAGTGTTATGGCTTAGGAGAGAAGCGGGGGTGCTAGCGGGAGG-3'
Protein context (NP_001070736.1, residues 224-244): LAALQGRVLP[Ser234=]QTPQPAHHTP